The following is an entry in ClinVar:

NM_005228.5(EGFR):c.1559C>T (p.Pro520Leu)

Gene: EGFR (epidermal growth factor receptor; plus strand). Cytogenetic location: 7p11.2.
Variant type: single nucleotide variant.
Coding change: c.1559C>T on transcript NM_005228.5 (MANE Select); coding-DNA position 1559, C replaced by T.
Protein change: p.Pro520Leu; replaces proline 520 with leucine.
Molecular consequence: missense variant.
Genome position (GRCh38, 1-based): chr7:55,161,559, C>T. VCF-style: chr7-55161559-C-T. GRCh37 (hg19) VCF-style: chr7-55229252-C-T.
Other names: c.1424C>T, p.Pro475Leu (NM_001346897.2, NM_001346899.2); c.1559C>T, p.Pro520Leu (NM_001346898.2, NM_201282.2, NM_201284.2); c.1400C>T, p.Pro467Leu (NM_001346900.2); c.758C>T, p.Pro253Leu (NM_001346941.2); short protein forms P253L, P467L, P475L, P520L.
Identifiers: ClinVar variation 1001705 (VCV001001705.6), dbSNP rs1785705110, ClinGen allele CA367579893.

ClinVar aggregate classification (germline): Uncertain significance (1 of 4 stars; one submission).

Conditions:
EGFR-related lung cancer (EGFR). Identifiers: MedGen CN130014.

Submission:

Labcorp Genetics (formerly Invitae), Labcorp
Classification: Uncertain significance for EGFR-related lung cancer. Last evaluated: 2022-09-01. Review status: criteria provided, single submitter. Criteria: Invitae Variant Classification Sherloc (09022015). Collection method: clinical testing. Allele origin: germline.
Comment: This sequence change replaces proline, which is neutral and non-polar, with leucine, which is neutral and non-polar, at codon 520 of the EGFR protein (p.Pro520Leu). This variant is not present in population databases (gnomAD no frequency). This variant has not been reported in the literature in individuals affected with EGFR-related conditions. ClinVar contains an entry for this variant (Variation ID: 1001705). Algorithms developed to predict the effect of missense changes on protein structure and function are either unavailable or do not agree on the potential impact of this missense change (SIFT: "Deleterious"; PolyPhen-2: "Possibly Damaging"; Align-GVGD: "Class C0"). In summary, the available evidence is currently insufficient to determine the role of this variant in disease. Therefore, it has been classified as a Variant of Uncertain Significance.